The following is an entry in ClinVar:

ClinVar aggregate classification (germline): Uncertain significance (1 of 4 stars; one submission).

Allele frequency attached by ClinVar (database versions not stated): gnomAD exomes below 0.00001 and 0.00001; ExAC 0.00001.
gnomAD v4.1: 3 of 1,614,170 alleles (0.00019%); highest among the groups gnomAD compares: Non-Finnish European, 0.00025%; no homozygotes.

Submission:

Labcorp Genetics (formerly Invitae), Labcorp
Classification: Uncertain significance. Last evaluated: 2021-10-10. Review status: criteria provided, single submitter. Criteria: Invitae Variant Classification Sherloc (09022015). Collection method: clinical testing. Allele origin: germline.
Comment: This variant is present in population databases (rs772596531, ExAC 0.001%). In summary, the available evidence is currently insufficient to determine the role of this variant in disease. Therefore, it has been classified as a Variant of Uncertain Significance. Algorithms developed to predict the effect of sequence changes on RNA splicing suggest that this variant may disrupt the consensus splice site. This variant has not been reported in the literature in individuals affected with TUBGCP4-related conditions. This sequence change falls in intron 9 of the TUBGCP4 gene. It does not directly change the encoded amino acid sequence of the TUBGCP4 protein.

NM_014444.5(TUBGCP4):c.1015-8T>A

Gene: TUBGCP4 (tubulin gamma complex component 4; plus strand). Cytogenetic location: 15q15.3.
Variant type: single nucleotide variant.
Coding change: c.1015-8T>A on transcript NM_014444.5 (MANE Select); 8 bases into the intron before coding-DNA position 1015, T replaced by A.
Molecular consequence: intron variant.
Genome position (GRCh38, 1-based): chr15:43,395,099, T>A. VCF-style: chr15-43395099-T-A. GRCh37 (hg19) VCF-style: chr15-43687297-T-A.
Other names: c.1015-8T>A (NM_001286414.3).
Identifiers: ClinVar variation 1512025 (VCV001512025.6), dbSNP rs772596531, ClinGen allele CA7523972.